The following is an entry in ClinVar:

NM_001556.3(IKBKB):c.1500A>T (p.Gln500His)

Gene: IKBKB (inhibitor of nuclear factor kappa B kinase subunit beta; plus strand). Cytogenetic location: 8p11.21.
Variant type: single nucleotide variant.
Coding change: c.1500A>T on transcript NM_001556.3 (MANE Select); coding-DNA position 1500, A replaced by T.
Protein change: p.Gln500His; replaces glutamine 500 with histidine.
Molecular consequence: missense variant. On other transcripts: non-coding transcript variant (3).
Genome position (GRCh38, 1-based): chr8:42,319,405, A>T. VCF-style: chr8-42319405-A-T. GRCh37 (hg19) VCF-style: chr8-42176923-A-T.
Other names: c.1323A>T, p.Gln441His (NM_001242778.2); c.1308A>T, p.Gln436His (NM_001190720.3); short protein forms Q436H, Q441H, Q500H.
Identifiers: ClinVar variation 4538088 (VCV004538088.1).
Genomic context (GRCh38, chr8:42,319,405, plus strand): 5'-GGCCAAGTTGGATTTCTTCAAAACCAGCATCCAGATTGACCTGGAGAAGTACAGCGAGCA[A>T]ACCGAGTTTGGGATCAGTGAGTGTGCACTTTGCAATGAGTTTAAAGACACCATTTTTTTT-3'
Protein context (NP_001547.1, residues 490-510): IQIDLEKYSE[Gln500His]TEFGITSDKL

ClinVar aggregate classification (germline): Uncertain significance (1 of 4 stars; one submission).

Submission:

GeneDx
Classification: Uncertain significance. Last evaluated: 2025-06-11. Review status: criteria provided, single submitter. Criteria: GeneDx Variant Classification Process June 2021. Collection method: clinical testing. Allele origin: germline. Affected: yes.
Comment: Not observed at significant frequency in large population cohorts (gnomAD); In silico analysis supports that this missense variant has a deleterious effect on protein structure/function; Has not been previously published as pathogenic or benign to our knowledge